The following is an entry in ClinVar:

NM_031443.4(CCM2):c.30G>C (p.Lys10Asn)

Genes: CCM2 (CCM2 scaffold protein; plus strand), LOC129998395 (ATAC-STARR-seq lymphoblastoid silent region 18162; plus strand). Cytogenetic location: 7p13.
Variant type: single nucleotide variant.
Coding change: c.30G>C on transcript NM_031443.4 (MANE Select); coding-DNA position 30, G replaced by C.
Protein change: p.Lys10Asn; replaces lysine 10 with asparagine.
Molecular consequence: missense variant.
Genome position (GRCh38, 1-based): chr7:45,000,363, G>C. VCF-style: chr7-45000363-G-C. GRCh37 (hg19) VCF-style: chr7-45039962-G-C.
Other names: c.30G>C, p.Lys10Asn (NM_001167934.2, NM_001167935.2, NM_001363458.2 and 1 more transcripts); short protein forms K10N.
Identifiers: ClinVar variation 1305187 (VCV001305187.2), dbSNP rs1583819255, ClinGen allele CA367423701.

ClinVar aggregate classification (germline): Uncertain significance (1 of 4 stars; one submission).

Submission:

GeneDx
Classification: Uncertain significance. Last evaluated: 2019-04-18. Review status: criteria provided, single submitter. Criteria: GeneDx Variant Classification Process June 2021. Collection method: clinical testing. Allele origin: germline. Affected: yes.
Comment: Not observed in large population cohorts (Lek et al., 2016); In-silico analysis, which includes splice predictors and evolutionary conservation, is inconclusive as to whether the variant alters gene splicing. In the absence of RNA/functional studies, the actual effect of this sequence change is unknown.; Has not been previously published as pathogenic or benign to our knowledge